The following is an entry in ClinVar:

ClinVar aggregate classification (germline): Uncertain significance (1 of 4 stars; one submission).

Conditions:
Spastic paraplegia. Identifiers: MedGen C0037772, HP:0001258.

Submission:

Labcorp Genetics (formerly Invitae), Labcorp
Classification: Uncertain significance for Spastic paraplegia. Last evaluated: 2020-01-23. Review status: criteria provided, single submitter. Criteria: Invitae Variant Classification Sherloc (09022015). Collection method: clinical testing. Allele origin: germline.
Comment: In summary, the available evidence is currently insufficient to determine the role of this variant in disease. Therefore, it has been classified as a Variant of Uncertain Significance. Algorithms developed to predict the effect of missense changes on protein structure and function (SIFT, PolyPhen-2, Align-GVGD) all suggest that this variant is likely to be disruptive, but these predictions have not been confirmed by published functional studies and their clinical significance is uncertain. This variant has not been reported in the literature in individuals with ERLIN2-related conditions. This variant is not present in population databases (ExAC no frequency). This sequence change replaces aspartic acid with histidine at codon 69 of the ERLIN2 protein (p.Asp69His). The aspartic acid residue is highly conserved and there is a moderate physicochemical difference between aspartic acid and histidine.

NM_007175.8(ERLIN2):c.205G>C (p.Asp69His)

Gene: ERLIN2 (ER lipid raft associated 2; plus strand). Cytogenetic location: 8p11.23.
Variant type: single nucleotide variant.
Coding change: c.205G>C on transcript NM_007175.8 (MANE Select); coding-DNA position 205, G replaced by C.
Protein change: p.Asp69His; replaces aspartic acid 69 with histidine.
Molecular consequence: missense variant.
Genome position (GRCh38, 1-based): chr8:37,741,787, G>C. VCF-style: chr8-37741787-G-C. GRCh37 (hg19) VCF-style: chr8-37599305-G-C.
Other names: c.205G>C, p.Asp69His (NM_001003790.4, NM_001003791.3, NM_001362878.2 and 1 more transcripts); short protein forms D69H.
Identifiers: ClinVar variation 834519 (VCV000834519.6), dbSNP rs1802859943, ClinGen allele CA370650604.